The following is an entry in ClinVar:

ClinVar aggregate classification (germline): Uncertain significance. Review status: criteria provided, multiple submitters, no conflicts (2 of 4 stars). 3 submissions from 3 submitters: Uncertain significance (3). Last evaluated 2025-06-17.

Conditions:
Inborn genetic diseases. Identifiers: MedGen C0950123, MeSH D030342.

Allele frequency attached by ClinVar (database versions not stated): gnomAD exomes 0.00001; TOPMed 0.00001; gnomAD 0.00001.
gnomAD v4.1: 18 of 1,613,914 alleles (0.0011%); highest among the groups gnomAD compares: Middle Eastern, 0.016%; no homozygotes.

Submissions (3):

Ambry Genetics
Classification: Uncertain significance for Inborn genetic diseases. Last evaluated: 2025-06-17. Review status: criteria provided, single submitter. Criteria: Ambry Variant Classification Scheme 2023. Collection method: clinical testing. Allele origin: germline.

GeneDx
Classification: Uncertain significance. Last evaluated: 2022-08-26. Review status: criteria provided, single submitter. Criteria: GeneDx Variant Classification Process June 2021. Collection method: clinical testing. Allele origin: germline. Affected: yes.
Comment: Not observed at significant frequency in large population cohorts (gnomAD); In silico analysis supports that this missense variant does not alter protein structure/function; Has not been previously published as pathogenic or benign to our knowledge

Labcorp Genetics (formerly Invitae), Labcorp
Classification: Uncertain significance. Last evaluated: 2022-03-01. Review status: criteria provided, single submitter. Criteria: Invitae Variant Classification Sherloc (09022015). Collection method: clinical testing. Allele origin: germline.
Comment: This sequence change replaces valine, which is neutral and non-polar, with isoleucine, which is neutral and non-polar, at codon 174 of the MRPS22 protein (p.Val174Ile). This variant is present in population databases (no rsID available, gnomAD 0.007%). This variant has not been reported in the literature in individuals affected with MRPS22-related conditions. Algorithms developed to predict the effect of missense changes on protein structure and function are either unavailable or do not agree on the potential impact of this missense change (SIFT: "Tolerated"; PolyPhen-2: "Probably Damaging"; Align-GVGD: "Class C0"). In summary, the available evidence is currently insufficient to determine the role of this variant in disease. Therefore, it has been classified as a Variant of Uncertain Significance.

NM_020191.4(MRPS22):c.520G>A (p.Val174Ile)

Gene: MRPS22 (mitochondrial ribosomal protein S22; plus strand). Cytogenetic location: 3q23.
Variant type: single nucleotide variant.
Coding change: c.520G>A on transcript NM_020191.4 (MANE Select); coding-DNA position 520, G replaced by A.
Protein change: p.Val174Ile; replaces valine 174 with isoleucine.
Molecular consequence: missense variant.
Genome position (GRCh38, 1-based): chr3:139,350,194, G>A. VCF-style: chr3-139350194-G-A. GRCh37 (hg19) VCF-style: chr3-139069036-G-A.
Other names: c.397G>A, p.Val133Ile (NM_001363857.1); c.517G>A, p.Val173Ile (NM_001363893.1); c.520G>A (NM_020191.2); short protein forms V174I, V133I, V173I.
Identifiers: ClinVar variation 2191534 (VCV002191534.3), dbSNP rs867193053, ClinGen allele CA83994467.